The following is an entry in ClinVar:

ClinVar aggregate classification (germline): Uncertain significance (1 of 4 stars; one submission).

Conditions:
Fibrous dysplasia of jaw (CRBM). Also called: Cherubism. Identifiers: Orphanet 184, MedGen C0008029, MONDO:0007315, OMIM 118400.

Allele frequency attached by ClinVar (database versions not stated): TOPMed below 0.00001.
gnomAD v4.1: 7 of 1,587,482 alleles (0.00044%); highest among the groups gnomAD compares: Middle Eastern, 0.017%; no homozygotes.

Submission:

Labcorp Genetics (formerly Invitae), Labcorp
Classification: Uncertain significance for Fibrous dysplasia of jaw. Last evaluated: 2023-09-12. Review status: criteria provided, single submitter. Criteria: Invitae Variant Classification Sherloc (09022015). Collection method: clinical testing. Allele origin: germline.
Comment: This variant disrupts the p.Pro418 amino acid residue in SH3BP2. Other variant(s) that disrupt this residue have been determined to be pathogenic (PMID: 11381256, 14577811, 18596838, 21794028, 22153076, 22153077, 24916406, 25144740, 30236129). This suggests that this residue is clinically significant, and that variants that disrupt this residue are likely to be disease-causing. Advanced modeling of protein sequence and biophysical properties (such as structural, functional, and spatial information, amino acid conservation, physicochemical variation, residue mobility, and thermodynamic stability) has been performed at Invitae for this missense variant, however the output from this modeling did not meet the statistical confidence thresholds required to predict the impact of this variant on SH3BP2 protein function. This variant has not been reported in the literature in individuals affected with SH3BP2-related conditions. This variant is present in population databases (rs757336022, gnomAD 0.007%). This sequence change replaces proline, which is neutral and non-polar, with alanine, which is neutral and non-polar, at codon 418 of the SH3BP2 protein (p.Pro418Ala). In summary, the available evidence is currently insufficient to determine the role of this variant in disease. Therefore, it has been classified as a Variant of Uncertain Significance.

Literature cited by the submitters: PubMed 11381256; PubMed 14577811; PubMed 18596838; PubMed 21794028; PubMed 22153076; PubMed 22153077; PubMed 24916406; PubMed 25144740; PubMed 30236129.

NM_001122681.2(SH3BP2):c.1252C>G (p.Pro418Ala)

Gene: SH3BP2 (SH3 domain binding protein 2; plus strand). Cytogenetic location: 4p16.3.
Variant type: single nucleotide variant.
Coding change: c.1252C>G on transcript NM_001122681.2 (MANE Select); coding-DNA position 1252, C replaced by G.
Protein change: p.Pro418Ala; replaces proline 418 with alanine.
Molecular consequence: missense variant.
Genome position (GRCh38, 1-based): chr4:2,831,581, C>G. VCF-style: chr4-2831581-C-G. GRCh37 (hg19) VCF-style: chr4-2833308-C-G.
Other names: c.1336C>G, p.Pro446Ala (NM_001145855.2); c.1423C>G, p.Pro475Ala (NM_001145856.2); c.1252C>G, p.Pro418Ala (NM_003023.4); short protein forms P418A, P446A, P475A.
Identifiers: ClinVar variation 2891007 (VCV002891007.3), dbSNP rs757336022, ClinGen allele CA2819447.